The following is an entry in ClinVar:

NC_000005.9:g.(?_138117614)_(138145893_?)dup

Gene: CTNNA1 (catenin alpha 1; plus strand). Cytogenetic location: 5q31.2.
Variant type: Duplication.
Identifiers: ClinVar variation 1046725 (VCV001046725.4).

ClinVar aggregate classification (germline): Uncertain significance (1 of 4 stars; one submission).

Submission:

Labcorp Genetics (formerly Invitae), Labcorp
Classification: Uncertain significance. Last evaluated: 2020-04-09. Review status: criteria provided, single submitter. Criteria: Invitae Variant Classification Sherloc (09022015). Collection method: clinical testing. Allele origin: germline.
Comment: This variant results in a copy number gain of the genomic region encompassing exons 2-4 of the CTNNA1 gene. The 5' end of this event is unknown as it extends beyond the assayed region for this gene and therefore may encompass additional genes. The 3' boundary is likely confined to intron 4 of the CTNNA1 gene. As the precise location of this event is unknown, it may be in tandem or it may be located elsewhere in the genome. This variant has not been reported in the literature in individuals with CTNNA1-related disease. Experimental studies and prediction algorithms are not available for this variant, and the functional significance of the affected amino acid(s) is currently unknown. In summary, the available evidence is currently insufficient to determine the role of this variant in disease. Therefore, it has been classified as a Variant of Uncertain Significance.